The following is an entry in ClinVar:

ClinVar aggregate classification (germline): Uncertain significance (1 of 4 stars; one submission).

gnomAD v4.1: 2 of 1,613,942 alleles (0.00012%); highest among the groups gnomAD compares: Admixed American, 0.0033%; no homozygotes.

Submission:

Labcorp Genetics (formerly Invitae), Labcorp
Classification: Uncertain significance. Last evaluated: 2023-05-22. Review status: criteria provided, single submitter. Criteria: Invitae Variant Classification Sherloc (09022015). Collection method: clinical testing. Allele origin: germline.
Comment: In summary, the available evidence is currently insufficient to determine the role of this variant in disease. Therefore, it has been classified as a Variant of Uncertain Significance. An algorithm developed to predict the effect of missense changes on protein structure and function (PolyPhen-2) suggests that this variant is likely to be tolerated. ClinVar contains an entry for this variant (Variation ID: 1989168). This variant has not been reported in the literature in individuals affected with HERC1-related conditions. This variant is present in population databases (rs758082345, gnomAD 0.006%). This sequence change replaces proline, which is neutral and non-polar, with serine, which is neutral and polar, at codon 1800 of the HERC1 protein (p.Pro1800Ser).

NM_003922.4(HERC1):c.5398C>T (p.Pro1800Ser)

Gene: HERC1 (HECT and RLD domain containing E3 ubiquitin protein ligase family member 1; minus strand). Cytogenetic location: 15q22.31.
Variant type: single nucleotide variant.
Coding change: c.5398C>T on transcript NM_003922.4 (MANE Select); coding-DNA position 5398, C replaced by T.
Protein change: p.Pro1800Ser; replaces proline 1800 with serine.
Molecular consequence: missense variant.
Genome position (GRCh38, 1-based): chr15:63,694,394, G>A on the plus strand (C>T on the coding strand, the complement: HERC1 is on the minus strand). VCF-style: chr15-63694394-G-A. GRCh37 (hg19) VCF-style: chr15-63986593-G-A.
Other names: short protein forms P1800S.
Identifiers: ClinVar variation 1989168 (VCV001989168.4), dbSNP rs758082345, ClinGen allele CA7605552.